The following is an entry in ClinVar:

NM_032545.4(CFC1):c.99C>T (p.Gly33=)

Gene: CFC1 (cryptic, EGF-CFC family member 1; minus strand). Cytogenetic location: 2q21.1.
Variant type: single nucleotide variant.
Coding change: c.99C>T on transcript NM_032545.4 (MANE Select); coding-DNA position 99, C replaced by T.
Protein change: p.Gly33=; no amino-acid change (glycine 33 retained).
Molecular consequence: synonymous variant.
Genome position (GRCh38, 1-based): chr2:130,598,790, G>A on the plus strand (C>T on the coding strand, the complement: CFC1 is on the minus strand). VCF-style: chr2-130598790-G-A. GRCh37 (hg19) VCF-style: chr2-131356363-G-A.
Other names: c.99C>T, p.Gly33= (NM_001270420.2, NM_001270421.2).
Identifiers: ClinVar variation 4821832 (VCV004821832.4).

ClinVar aggregate classification (germline): Likely benign (1 of 4 stars; one submission).

Submission:

CeGaT Center for Human Genetics Tuebingen
Classification: Likely benign. Last evaluated: 2026-02-01. Review status: criteria provided, single submitter. Criteria: CeGaT Center For Human Genetics Tuebingen Variant Classification Criteria Version 2. Collection method: clinical testing. Allele origin: germline. Affected: yes. Observed: 1 variant allele.
Comment: CFC1: BP4, BP7